The following is an entry in ClinVar:

NM_000057.4(BLM):c.3731T>G (p.Val1244Gly)

Gene: BLM (BLM RecQ like helicase; plus strand). Cytogenetic location: 15q26.1.
Variant type: single nucleotide variant.
Coding change: c.3731T>G on transcript NM_000057.4 (MANE Select); coding-DNA position 3731, T replaced by G.
Protein change: p.Val1244Gly; replaces valine 1244 with glycine.
Molecular consequence: missense variant. On other transcripts: intron variant (1).
Genome position (GRCh38, 1-based): chr15:90,804,339, T>G. VCF-style: chr15-90804339-T-G. GRCh37 (hg19) VCF-style: chr15-91347569-T-G.
Other names: c.3731T>G, p.Val1244Gly (NM_001287246.2); c.2606T>G, p.Val869Gly (NM_001287248.2); c.3359-4798T>G (NM_001287247.2); short protein forms V869G, V1244G.
Identifiers: ClinVar variation 824140 (VCV000824140.6), dbSNP rs771117920, ClinGen allele CA7739092.
Genomic context (GRCh38, chr15:90,804,339, plus strand): 5'-AAGTCTGCAAATCTCTGGGGAAAGTTTTTGGTGTCCATTACTTCAATATTTTTAATACCG[T>G]CACTCTCAAGAAGCTTGCAGGTGGGTACACATGTATCCTTTGTTACGTGGCACAGATTAA-3'
Protein context (NP_000048.1, residues 1234-1254): GVHYFNIFNT[Val1244Gly]TLKKLAESLS

ClinVar aggregate classification (germline): Uncertain significance. Review status: criteria provided, multiple submitters, no conflicts (2 of 4 stars). 2 submissions from 2 submitters: Uncertain significance (2). Last evaluated 2024-05-29.

Conditions:
Bloom syndrome (BLM). Also called: Bloom-Torre-Machacek syndrome. Identifiers: Orphanet 125, MedGen C0005859, MONDO:0008876, OMIM 210900.
Hereditary cancer-predisposing syndrome. Also called: Neoplastic Syndromes, Hereditary; Tumor predisposition; Hereditary neoplastic syndrome; Hereditary Cancer Syndrome. Identifiers: Orphanet 140162, MedGen C0027672, MeSH D009386, MONDO:0015356.

Allele frequency attached by ClinVar (database versions not stated): gnomAD exomes below 0.00001 and 0.00001; ExAC 0.00002.

Submissions (2):

Labcorp Genetics (formerly Invitae), Labcorp
Classification: Uncertain significance for Bloom syndrome. Last evaluated: 2024-05-29. Review status: criteria provided, single submitter. Criteria: Invitae Variant Classification Sherloc (09022015). Collection method: clinical testing. Allele origin: germline.
Comment: This sequence change replaces valine, which is neutral and non-polar, with glycine, which is neutral and non-polar, at codon 1244 of the BLM protein (p.Val1244Gly). This variant is present in population databases (rs771117920, gnomAD 0.002%). This variant has not been reported in the literature in individuals affected with BLM-related conditions. ClinVar contains an entry for this variant (Variation ID: 824140). Advanced modeling of protein sequence and biophysical properties (such as structural, functional, and spatial information, amino acid conservation, physicochemical variation, residue mobility, and thermodynamic stability) performed at Invitae indicates that this missense variant is not expected to disrupt BLM protein function with a negative predictive value of 80%. In summary, the available evidence is currently insufficient to determine the role of this variant in disease. Therefore, it has been classified as a Variant of Uncertain Significance.

Ambry Genetics
Classification: Uncertain significance for Hereditary cancer-predisposing syndrome. Last evaluated: 2024-01-11. Review status: criteria provided, single submitter. Criteria: Ambry Variant Classification Scheme 2023. Collection method: clinical testing. Allele origin: germline.
Comment: The p.V1244G variant (also known as c.3731T>G), located in coding exon 18 of the BLM gene, results from a T to G substitution at nucleotide position 3731. The valine at codon 1244 is replaced by glycine, an amino acid with dissimilar properties. This amino acid position is not well conserved in available vertebrate species. In addition, this alteration is predicted to be tolerated by in silico analysis. Since supporting evidence is limited at this time, the clinical significance of this alteration remains unclear.